The following is an entry in ClinVar:

ClinVar aggregate classification (germline): Pathogenic/Likely pathogenic. Review status: criteria provided, multiple submitters, no conflicts (2 of 4 stars). 2 submissions from 2 submitters: Pathogenic (1); Likely pathogenic (1). Last evaluated 2024-01-03.

Conditions:
MYO15A-related disorder. Also called: MYO15A-related condition.

Submissions (2):

Labcorp Genetics (formerly Invitae), Labcorp
Classification: Pathogenic. Last evaluated: 2024-01-03. Review status: criteria provided, single submitter. Criteria: Invitae Variant Classification Sherloc (09022015). Collection method: clinical testing. Allele origin: germline.
Comment: This sequence change creates a premature translational stop signal (p.Arg115Profs*113) in the MYO15A gene. It is expected to result in an absent or disrupted protein product. Loss-of-function variants in MYO15A are known to be pathogenic (PMID: 17546645). This variant is present in population databases (rs764251996, gnomAD 0.002%). This variant has not been reported in the literature in individuals affected with MYO15A-related conditions. ClinVar contains an entry for this variant (Variation ID: 1454505). For these reasons, this variant has been classified as Pathogenic.

Blueprint Genetics
Classification: Likely pathogenic for MYO15A-related disorders. Last evaluated: 2021-11-05. Review status: criteria provided, single submitter. Criteria: ACMG Guidelines, 2015. Collection method: clinical testing. Allele origin: germline. Affected: yes. Observed: 2 variant alleles.

Literature cited by the submitters: PubMed 17546645 (cited by Labcorp Genetics (formerly Invitae), Labcorp).

NM_016239.4(MYO15A):c.343dup (p.Arg115fs)

Gene: MYO15A (myosin XVA; plus strand). Cytogenetic location: 17p11.2.
Variant type: Duplication.
Coding change: c.343dup on transcript NM_016239.4 (MANE Select); coding-DNA position 343, one base duplicated (C; older notation c.343dupC).
Protein change: p.Arg115fs; shifts the reading frame from arginine 115.
Molecular consequence: frameshift variant.
Genome position (GRCh38, 1-based): chr17:18,119,143, C duplicated; the last of 2 consecutive C bases (chr17:18,119,142-18,119,143); duplicating either gives the same sequence. VCF-style (leftmost placement, unchanged base first): chr17-18119141-G-GC. GRCh37 (hg19) VCF-style: chr17-18022455-G-GC.
Other names: short protein forms R115fs.
Identifiers: ClinVar variation 1454505 (VCV001454505.7), dbSNP rs764251996, ClinGen allele CA8422811.
Genomic context (GRCh38, chr17:18,119,141, plus strand): 5'-AGAAGAAGCGGGCGATGAAGGGCAAGAAGCCGTCCTTCATGGTGATCCGCTTCCCAGGCC[G>GC]CCGTGGCTACGGCCGCCTGCGGCCGCGCGCCCGGTCACTCAGCAAAGCGTCCACGGCCAT-3'